The following is an entry in ClinVar:

ClinVar aggregate classification (germline): Uncertain significance. Review status: criteria provided, multiple submitters, no conflicts (2 of 4 stars). 6 submissions from 6 submitters: Uncertain significance (6). Last evaluated 2025-12-19.

Conditions:
Familial thoracic aortic aneurysm and aortic dissection (TAAD). Also called: Thoracic aortic aneurysms and dissections. Identifiers: Orphanet 91387, MedGen C4707243, MONDO:0019625.
Aortic aneurysm, familial thoracic 4 (AAT4). Also called: AORTIC ANEURYSM/AORTIC DISSECTION AND PATENT DUCTUS ARTERIOSUS. Identifiers: MedGen C1851504, MONDO:0007568, OMIM 132900.

Allele frequency attached by ClinVar (database versions not stated): gnomAD exomes 0.00001; ExAC 0.00002; ESP Exome Variant Server 0.00008; TOPMed 0.00009; gnomAD 0.00010 and 0.00011.
gnomAD v4.1: 27 of 1,613,960 alleles (0.0017%); highest among the groups gnomAD compares: African/African-American, 0.036%; no homozygotes.

Submissions (6):

Labcorp Genetics (formerly Invitae), Labcorp
Classification: Uncertain significance for Aortic aneurysm, familial thoracic 4. Last evaluated: 2025-12-19. Review status: criteria provided, single submitter. Criteria: Invitae Variant Classification Sherloc (09022015). Collection method: clinical testing. Allele origin: germline.
Comment: This sequence change replaces glutamine, which is neutral and polar, with arginine, which is basic and polar, at codon 1077 of the MYH11 protein (p.Gln1077Arg). This variant is present in population databases (rs147848256, gnomAD 0.02%). This variant has not been reported in the literature in individuals affected with MYH11-related conditions. ClinVar contains an entry for this variant (Variation ID: 432677). Invitae Evidence Modeling of protein sequence and biophysical properties (such as structural, functional, and spatial information, amino acid conservation, physicochemical variation, residue mobility, and thermodynamic stability) indicates that this missense variant is not expected to disrupt MYH11 protein function with a negative predictive value of 95%. In summary, the available evidence is currently insufficient to determine the role of this variant in disease. Therefore, it has been classified as a Variant of Uncertain Significance.

Color Diagnostics, LLC DBA Color Health
Classification: Uncertain significance for Familial thoracic aortic aneurysm and aortic dissection. Last evaluated: 2025-08-04. Review status: criteria provided, single submitter. Criteria: ACMG Guidelines, 2015. Collection method: clinical testing. Allele origin: germline.
Comment: This missense variant replaces glutamine with arginine at codon 1077 of the MYH11 protein. Computational prediction suggests that this variant may have deleterious impact on protein structure and function. To our knowledge, functional studies have not been reported for this variant. This variant has not been reported in individuals affected with MYH11-related disorders in the literature. This variant has been identified in 4/282774 chromosomes in the general population by the Genome Aggregation Database (gnomAD). The available evidence is insufficient to determine the role of this variant in disease conclusively. Therefore, this variant is classified as a Variant of Uncertain Significance.

Revvity Omics, Revvity
Classification: Uncertain significance. Last evaluated: 2025-01-09. Review status: criteria provided, single submitter. Criteria: ACMG Guidelines, 2015. Collection method: clinical testing. Allele origin: germline.

Ambry Genetics
Classification: Uncertain significance for Familial thoracic aortic aneurysm and aortic dissection. Last evaluated: 2024-10-31. Review status: criteria provided, single submitter. Criteria: Ambry Variant Classification Scheme 2023. Collection method: clinical testing. Allele origin: germline.
Comment: The p.Q1070R variant (also known as c.3209A>G), located in coding exon 24 of the MYH11 gene, results from an A to G substitution at nucleotide position 3209. The glutamine at codon 1070 is replaced by arginine, an amino acid with highly similar properties. This amino acid position is highly conserved in available vertebrate species. In addition, the in silico prediction for this alteration is inconclusive. Based on the available evidence, the clinical significance of this variant remains unclear.

GeneDx
Classification: Uncertain significance. Last evaluated: 2023-12-12. Review status: criteria provided, single submitter. Criteria: GeneDx Variant Classification Process June 2021. Collection method: clinical testing. Allele origin: germline. Affected: yes.
Comment: Has not been previously published as pathogenic or benign to our knowledge; Not observed at significant frequency in large population cohorts (gnomAD); In silico analysis supports that this missense variant has a deleterious effect on protein structure/function

AiLife Diagnostics
Classification: Uncertain significance. Last evaluated: 2021-10-20. Review status: criteria provided, single submitter. Criteria: ACMG Guidelines, 2015. Collection method: clinical testing. Allele origin: germline. Affected: yes. Observed: 3 variant alleles.

NM_002474.3(MYH11):c.3209A>G (p.Gln1070Arg)

Gene: MYH11 (myosin heavy chain 11; minus strand). Cytogenetic location: 16p13.11.
Variant type: single nucleotide variant.
Coding change: c.3209A>G on transcript NM_002474.3 (MANE Select); coding-DNA position 3209, A replaced by G.
Protein change: p.Gln1070Arg; replaces glutamine 1070 with arginine.
Molecular consequence: missense variant.
Genome position (GRCh38, 1-based): chr16:15,737,533, T>C on the plus strand (A>G on the coding strand, the complement: MYH11 is on the minus strand). VCF-style: chr16-15737533-T-C. GRCh37 (hg19) VCF-style: chr16-15831390-T-C.
Other names: c.3230A>G, p.Gln1077Arg (NM_001040113.2, NM_001040114.2); c.3209A>G, p.Gln1070Arg (NM_022844.3); short protein forms Q1070R, Q1077R.
Identifiers: ClinVar variation 432677 (VCV000432677.18), dbSNP rs147848256, ClinGen allele CA7922060.